The following is an entry in ClinVar:

NM_000540.3(RYR1):c.7767G>C (p.Leu2589=)

Gene: RYR1 (ryanodine receptor 1; plus strand). Cytogenetic location: 19q13.2.
Variant type: single nucleotide variant.
Coding change: c.7767G>C on transcript NM_000540.3 (MANE Select); coding-DNA position 7767, G replaced by C.
Protein change: p.Leu2589=; no amino-acid change (leucine 2589 retained).
Molecular consequence: synonymous variant.
Genome position (GRCh38, 1-based): chr19:38,502,659, G>C. VCF-style: chr19-38502659-G-C. GRCh37 (hg19) VCF-style: chr19-38993299-G-C.
Other names: c.7767G>C, p.Leu2589= (NM_001042723.2).
Identifiers: ClinVar variation 2801648 (VCV002801648.4), dbSNP rs764751154, ClinGen allele CA507243859.

ClinVar aggregate classification (germline): Likely benign. Review status: criteria provided, multiple submitters, no conflicts (2 of 4 stars). 2 submissions from 2 submitters: Likely benign (2). Last evaluated 2024-07-20.

Conditions:
Malignant hyperthermia, susceptibility to, 1 (MHS1). Also called: Anesthesia related hyperthermia; Malignant hyperpyrexia; Fulminating hyperpyrexia; Pharmacogenic myopathy; Malignant hyperthermia suceptibility 1; RYR1-Related Malignant Hyperthermia Susceptibility. Identifiers: Orphanet 423, MedGen C2930980, MONDO:0007783, OMIM 145600.
RYR1-related disorder. Also called: RYR1-related condition; RYR1-related disorders. Identifiers: MedGen CN239331.

Allele frequency attached by ClinVar (database versions not stated): TOPMed below 0.00001.

Submissions (2):

All of Us Research Program, National Institutes of Health
Classification: Likely benign for Malignant hyperthermia, susceptibility to, 1. Last evaluated: 2024-07-20. Review status: criteria provided, single submitter. Criteria: ACMG Guidelines, 2015. Collection method: clinical testing. Allele origin: germline. Inheritance: Autosomal dominant inheritance. Observed: 1 variant allele, 1 heterozygote.
Comment: This study involves interpretation of variants in research participants for the purpose of population health screening. Participant phenotype was not available at the time of variant classification. Additional details can be found in publication PMID: 35346344, PMCID: PMC8962531

Labcorp Genetics (formerly Invitae), Labcorp
Classification: Likely benign for RYR1-related disorder. Last evaluated: 2023-07-16. Review status: criteria provided, single submitter. Criteria: Invitae Variant Classification Sherloc (09022015). Collection method: clinical testing. Allele origin: germline.